The following is an entry in ClinVar:

ClinVar aggregate classification (germline): Uncertain significance (1 of 4 stars; one submission).

Submission:

Labcorp Genetics (formerly Invitae), Labcorp
Classification: Uncertain significance. Last evaluated: 2024-10-06. Review status: criteria provided, single submitter. Criteria: Invitae Variant Classification Sherloc (09022015). Collection method: clinical testing. Allele origin: germline.
Comment: This sequence change replaces alanine, which is neutral and non-polar, with proline, which is neutral and non-polar, at codon 838 of the POLA1 protein (p.Ala838Pro). This variant is not present in population databases (gnomAD no frequency). This variant has not been reported in the literature in individuals affected with POLA1-related conditions. ClinVar contains an entry for this variant (Variation ID: 1919876). Invitae Evidence Modeling of protein sequence and biophysical properties (such as structural, functional, and spatial information, amino acid conservation, physicochemical variation, residue mobility, and thermodynamic stability) indicates that this missense variant is expected to disrupt POLA1 protein function with a positive predictive value of 80%. In summary, the available evidence is currently insufficient to determine the role of this variant in disease. Therefore, it has been classified as a Variant of Uncertain Significance.

NM_001330360.2(POLA1):c.2530G>C (p.Ala844Pro)

Gene: POLA1 (DNA polymerase alpha 1, catalytic subunit; plus strand). Cytogenetic location: Xp22.11.
Variant type: single nucleotide variant.
Coding change: c.2530G>C on transcript NM_001330360.2 (MANE Select); coding-DNA position 2530, G replaced by C.
Protein change: p.Ala844Pro; replaces alanine 844 with proline.
Molecular consequence: missense variant. On other transcripts: non-coding transcript variant (2).
Genome position (GRCh38, 1-based): chrX:24,743,293, G>C. VCF-style: chrX-24743293-G-C. GRCh37 (hg19) VCF-style: chrX-24761410-G-C.
Other names: c.2455G>C, p.Ala819Pro (NM_001378303.1); c.2512G>C, p.Ala838Pro (NM_016937.4); short protein forms A844P, A819P, A838P.
Identifiers: ClinVar variation 1919876 (VCV001919876.5), dbSNP rs2518841994, ClinGen allele CA412537277.
Genomic context (GRCh38, chrX:24,743,293, plus strand): 5'-GATGAAGATGAAGAAATTGATGGAGATACCAATAAATACAAGAAAGGACGTAAGAAAGCA[G>C]CTTATGCTGGAGGCTTGGTTTTGGACCCCAAAGTTGGTAAGGCTGGGCAGTGAATTGGTT-3'
Protein context (NP_001317289.1, residues 834-854): NKYKKGRKKA[Ala844Pro]YAGGLVLDPK